The following is an entry in ClinVar:

ClinVar aggregate classification (germline): Uncertain significance. Review status: criteria provided, single submitter (1 of 4 stars). 2 submissions from 2 submitters: Uncertain significance (1). 1 of the submissions does not count toward it. Last evaluated 2024-01-23.

Conditions:
Primary ciliary dyskinesia. Also called: Ciliary dyskinesia. Identifiers: Orphanet 244, MedGen C0008780, MONDO:0016575, HP:0012265.

gnomAD v4.1: 1 of 1,600,750 alleles (0.000062%); highest among the groups gnomAD compares: Non-Finnish European, 0.000086%; no homozygotes.

Submissions (2):

Labcorp Genetics (formerly Invitae), Labcorp
Classification: Uncertain significance for Primary ciliary dyskinesia. Last evaluated: 2024-01-23. Review status: criteria provided, single submitter. Criteria: Invitae Variant Classification Sherloc (09022015). Collection method: clinical testing. Allele origin: germline.
Comment: This sequence change replaces serine, which is neutral and polar, with arginine, which is basic and polar, at codon 2227 of the DNAH5 protein (p.Ser2227Arg). This variant is not present in population databases (gnomAD no frequency). This variant has not been reported in the literature in individuals affected with DNAH5-related conditions. Advanced modeling of protein sequence and biophysical properties (such as structural, functional, and spatial information, amino acid conservation, physicochemical variation, residue mobility, and thermodynamic stability) performed at Invitae indicates that this missense variant is not expected to disrupt DNAH5 protein function with a negative predictive value of 95%. In summary, the available evidence is currently insufficient to determine the role of this variant in disease. Therefore, it has been classified as a Variant of Uncertain Significance.

Natera, Inc.
Classification: Uncertain significance for Primary ciliary dyskinesia. Last evaluated: 2025-01-13. Review status: no assertion criteria provided. Collection method: clinical testing. Allele origin: germline. Not counted in ClinVar's aggregate classification.

NM_001369.3(DNAH5):c.6681T>A (p.Ser2227Arg)

Gene: DNAH5 (dynein axonemal heavy chain 5; minus strand). Cytogenetic location: 5p15.2.
Variant type: single nucleotide variant.
Coding change: c.6681T>A on transcript NM_001369.3 (MANE Select); coding-DNA position 6681, T replaced by A.
Protein change: p.Ser2227Arg; replaces serine 2227 with arginine.
Molecular consequence: missense variant.
Genome position (GRCh38, 1-based): chr5:13,823,269, A>T on the plus strand (T>A on the coding strand, the complement: DNAH5 is on the minus strand). VCF-style: chr5-13823269-A-T. GRCh37 (hg19) VCF-style: chr5-13823378-A-T.
Other names: c.6681T>A (NM_001369.2); short protein forms S2227R.
Identifiers: ClinVar variation 3014065 (VCV003014065.2), dbSNP rs1355806912, ClinGen allele CA359195518.
Genomic context (GRCh38, chr5:13,823,269, plus strand): 5'-ATTAAATTCAGATGAAACAGACACCAGCCCTCGTTGCCCTGTGAAGCATATTACCTGTCT[A>T]CTAATTGCTGCTTCCAGTTCAGGGTAACCTGCCTTGTCCAGAAGAATATTTGGAAAGAGA-3'
Protein context (NP_001360.1, residues 2217-2237): AGYPELEAAI[Ser2227Arg]RQVEEAGLIN